The following is an entry in ClinVar:

NM_001903.5(CTNNA1):c.649A>C (p.Asn217His)

Gene: CTNNA1 (catenin alpha 1; plus strand). Cytogenetic location: 5q31.2.
Variant type: single nucleotide variant.
Coding change: c.649A>C on transcript NM_001903.5 (MANE Select); coding-DNA position 649, A replaced by C.
Protein change: p.Asn217His; replaces asparagine 217 with histidine.
Molecular consequence: missense variant.
Genome position (GRCh38, 1-based): chr5:138,824,590, A>C. VCF-style: chr5-138824590-A-C. GRCh37 (hg19) VCF-style: chr5-138160279-A-C.
Other names: c.649A>C, p.Asn217His (NM_001290307.3, NM_001323982.2, NM_001323983.1 and 3 more transcripts); c.340A>C, p.Asn114His (NM_001290309.3); c.280A>C, p.Asn94His (NM_001290310.3); short protein forms N217H, N114H, N94H.
Identifiers: ClinVar variation 646352 (VCV000646352.11), dbSNP rs1213476232, ClinGen allele CA361129579.

ClinVar aggregate classification (germline): Uncertain significance. Review status: criteria provided, multiple submitters, no conflicts (2 of 4 stars). 2 submissions from 2 submitters: Uncertain significance (2). Last evaluated 2023-07-12.

Conditions:
Hereditary cancer-predisposing syndrome. Also called: Hereditary Cancer Syndrome; Tumor predisposition; Hereditary neoplastic syndrome; Neoplastic Syndromes, Hereditary. Identifiers: Orphanet 140162, MedGen C0027672, MeSH D009386, MONDO:0015356.

gnomAD v4.1: 3 of 1,614,228 alleles (0.00019%); highest among the groups gnomAD compares: Non-Finnish European, 0.00025%; no homozygotes.

Submissions (2):

Labcorp Genetics (formerly Invitae), Labcorp
Classification: Uncertain significance. Last evaluated: 2023-07-12. Review status: criteria provided, single submitter. Criteria: Invitae Variant Classification Sherloc (09022015). Collection method: clinical testing. Allele origin: germline.
Comment: This variant is not present in population databases (gnomAD no frequency). This sequence change replaces asparagine, which is neutral and polar, with histidine, which is basic and polar, at codon 217 of the CTNNA1 protein (p.Asn217His). This variant has not been reported in the literature in individuals affected with CTNNA1-related conditions. ClinVar contains an entry for this variant (Variation ID: 646352). Advanced modeling of protein sequence and biophysical properties (such as structural, functional, and spatial information, amino acid conservation, physicochemical variation, residue mobility, and thermodynamic stability) performed at Invitae indicates that this missense variant is not expected to disrupt CTNNA1 protein function. In summary, the available evidence is currently insufficient to determine the role of this variant in disease. Therefore, it has been classified as a Variant of Uncertain Significance.

Ambry Genetics
Classification: Uncertain significance for Hereditary cancer-predisposing syndrome. Last evaluated: 2021-02-24. Review status: criteria provided, single submitter. Criteria: Ambry Variant Classification Scheme 2023. Collection method: clinical testing. Allele origin: germline.
Comment: The p.N217H variant (also known as c.649A>C), located in coding exon 5 of the CTNNA1 gene, results from an A to C substitution at nucleotide position 649. The asparagine at codon 217 is replaced by histidine, an amino acid with similar properties. This alteration has been identified in an individual diagnosed with breast or gastric cancer (Clark DF et al. Genet Med, 2020 05;22:840-846). This amino acid position is highly conserved in available vertebrate species. In addition, this alteration is predicted to be tolerated by in silico analysis. Since supporting evidence is limited at this time, the clinical significance of this alteration remains unclear.

Literature cited by the submitters: PubMed 32051609 (cited by Ambry Genetics).